The following is an entry in ClinVar:

NM_001386795.1(DTNA):c.320C>A (p.Ser107Tyr)

Gene: DTNA (dystrobrevin alpha; plus strand). Cytogenetic location: 18q12.1.
Variant type: single nucleotide variant.
Coding change: c.320C>A on transcript NM_001386795.1 (MANE Select); coding-DNA position 320, C replaced by A.
Protein change: p.Ser107Tyr; replaces serine 107 with tyrosine.
Molecular consequence: missense variant.
Genome position (GRCh38, 1-based): chr18:34,794,208, C>A. VCF-style: chr18-34794208-C-A. GRCh37 (hg19) VCF-style: chr18-32374172-C-A.
Other names: c.320C>A, p.Ser107Tyr (NM_001386762.1, NM_001386763.1, NM_001386764.1 and 35 more transcripts); short protein forms S107Y.
Identifiers: ClinVar variation 1713306 (VCV001713306.5), dbSNP rs2516942897, ClinGen allele CA402275120.

ClinVar aggregate classification (germline): Uncertain significance (1 of 4 stars; one submission).

Conditions:
Left ventricular noncompaction 1 (LVNC1). Also called: LEFT VENTRICULAR NONCOMPACTION 1 WITH OR WITHOUT CONGENITAL HEART DEFECTS. Identifiers: Orphanet 54260, MedGen C1858725, MONDO:0011403, OMIM 604169.

Submission:

Labcorp Genetics (formerly Invitae), Labcorp
Classification: Uncertain significance for Left ventricular noncompaction 1. Last evaluated: 2022-07-22. Review status: criteria provided, single submitter. Criteria: Invitae Variant Classification Sherloc (09022015). Collection method: clinical testing. Allele origin: germline.
Comment: This sequence change replaces serine, which is neutral and polar, with tyrosine, which is neutral and polar, at codon 107 of the DTNA protein (p.Ser107Tyr). In summary, the available evidence is currently insufficient to determine the role of this variant in disease. Therefore, it has been classified as a Variant of Uncertain Significance. Algorithms developed to predict the effect of missense changes on protein structure and function are either unavailable or do not agree on the potential impact of this missense change (SIFT: "Deleterious"; PolyPhen-2: "Probably Damaging"; Align-GVGD: "Class C0"). This variant has not been reported in the literature in individuals affected with DTNA-related conditions. This variant is not present in population databases (gnomAD no frequency).